The following is an entry in ClinVar:

NM_022834.5(VWA1):c.1132C>T (p.Arg378Trp)

Gene: VWA1 (von Willebrand factor A domain containing 1; plus strand). Cytogenetic location: 1p36.33.
Variant type: single nucleotide variant.
Coding change: c.1132C>T on transcript NM_022834.5 (MANE Select); coding-DNA position 1132, C replaced by T.
Protein change: p.Arg378Trp; replaces arginine 378 with tryptophan.
Molecular consequence: missense variant. On other transcripts: 3 prime UTR variant (1).
Genome position (GRCh38, 1-based): chr1:1,439,581, C>T. VCF-style: chr1-1439581-C-T. GRCh37 (hg19) VCF-style: chr1-1374961-C-T.
Other names: p.Arg378Trp; c.*542C>T (NM_199121.3); short protein forms R378W.
Identifiers: ClinVar variation 3388131 (VCV003388131.15).

ClinVar aggregate classification (germline): Benign. Review status: criteria provided, multiple submitters, no conflicts (2 of 4 stars). 2 submissions from 2 submitters: Benign (2). Last evaluated 2026-09-01.

gnomAD v4.1: 16,199 of 1,300,200 alleles (1.2%); highest among the groups gnomAD compares: Non-Finnish European, 1.4%; 158 homozygotes.

Submissions (2):

CeGaT Center for Human Genetics Tuebingen
Classification: Benign. Last evaluated: 2026-09-01. Review status: criteria provided, single submitter. Criteria: CeGaT Center For Human Genetics Tuebingen Variant Classification Criteria Version 2. Collection method: clinical testing. Allele origin: germline. Affected: yes. Observed: 38 variant alleles.
Comment: VWA1: BS1, BS2

Mayo Clinic Laboratories, Mayo Clinic
Classification: Benign. Last evaluated: 2023-06-06. Review status: criteria provided, single submitter. Criteria: ACMG Guidelines, 2015. Collection method: clinical testing. Allele origin: germline. Observed: 17 variant alleles.
Comment: BA1, BP4